The following is an entry in ClinVar:

ClinVar aggregate classification (germline): Uncertain significance. Review status: criteria provided, multiple submitters, no conflicts (2 of 4 stars). 4 submissions from 4 submitters: Uncertain significance (3). 1 of the submissions does not count toward it. Last evaluated 2024-05-10.

Conditions:
Metaphyseal chondrodysplasia, McKusick type (CHH). Also called: Cartilage-Hair Hypoplasia (CHH); Cartilage-hair hypoplasia. Identifiers: Orphanet 175, MedGen C0220748, MONDO:0009595, OMIM 250250.
Anauxetic dysplasia. Identifiers: Orphanet 93347, MedGen C1846796, MONDO:0011773.
Anauxetic dysplasia 1 (ANXD1). Also called: Anauxetic Dysplasia (AD). Identifiers: Orphanet 93347, MedGen C4551965, MONDO:0054560, OMIM 607095.
Metaphyseal dysplasia without hypotrichosis. Also called: CARTILAGE-HAIR HYPOPLASIA VARIANT, SKELETAL MANIFESTATIONS ONLY; CARTILAGE-HAIR HYPOPLASIA-LIKE SKELETAL DYSPLASIA WITHOUT HYPOTRICHOSIS OR IMMUNODEFICIENCY; Metaphyseal Dysplasia without Hypotrichosis (MDWH). Identifiers: MedGen C1834821, MONDO:0009601, OMIM 250460.

Allele frequency attached by ClinVar (database versions not stated): ExAC 0.00019; gnomAD exomes 0.00005; TOPMed 0.00018.
gnomAD v4.1: 57 of 700,248 alleles (0.0081%); highest among the groups gnomAD compares: African/African-American, 0.023%; no homozygotes.

Submissions (4):

Blueprint Genetics
Classification: Uncertain significance. Last evaluated: 2024-05-10. Review status: criteria provided, single submitter. Criteria: ACMG Guidelines, 2015. Collection method: clinical testing. Allele origin: germline.

Labcorp Genetics (formerly Invitae), Labcorp
Classification: Uncertain significance for Anauxetic dysplasia. Last evaluated: 2022-08-01. Review status: criteria provided, single submitter. Criteria: Invitae Variant Classification Sherloc (09022015). Collection method: clinical testing. Allele origin: germline.
Comment: This variant occurs in the RMRP gene, which encodes an RNA molecule that does not result in a protein product. This variant is present in population databases (rs572081363, gnomAD 0.03%). This variant has not been reported in the literature in individuals affected with RMRP-related conditions. ClinVar contains an entry for this variant (Variation ID: 582047). Experimental studies and prediction algorithms are not available or were not evaluated, and the functional significance of this variant is currently unknown. In summary, the available evidence is currently insufficient to determine the role of this variant in disease. Therefore, it has been classified as a Variant of Uncertain Significance.

Fulgent Genetics
Classification: Uncertain significance for Metaphyseal chondrodysplasia, McKusick type; Metaphyseal dysplasia without hypotrichosis; Anauxetic dysplasia 1. Last evaluated: 2022-01-07. Review status: criteria provided, single submitter. Criteria: ACMG Guidelines, 2015. Collection method: clinical testing. Allele origin: unknown.

Natera, Inc.
Classification: Uncertain significance for Cartilage-hair hypoplasia. Last evaluated: 2019-11-11. Review status: no assertion criteria provided. Collection method: clinical testing. Allele origin: germline. Not counted in ClinVar's aggregate classification.

NR_003051.4(RMRP):n.36A>G

Gene: RMRP (RNA component of mitochondrial RNA processing endoribonuclease; minus strand). Cytogenetic location: 9p13.3.
Variant type: single nucleotide variant.
Genome position: GRCh38 VCF-style: chr9-35657984-T-C. GRCh37 (hg19) VCF-style: chr9-35657981-T-C.
Identifiers: ClinVar variation 582047 (VCV000582047.6), dbSNP rs572081363, ClinGen allele CA5045861.